The following is an entry in ClinVar:

NM_000214.3(JAG1):c.405T>G (p.Leu135=)

Gene: JAG1 (jagged canonical Notch ligand 1; minus strand). Cytogenetic location: 20p12.2.
Variant type: single nucleotide variant.
Coding change: c.405T>G on transcript NM_000214.3 (MANE Select); coding-DNA position 405, T replaced by G.
Protein change: p.Leu135=; no amino-acid change (leucine 135 retained).
Molecular consequence: synonymous variant.
Genome position (GRCh38, 1-based): chr20:10,663,997, A>C on the plus strand (T>G on the coding strand, the complement: JAG1 is on the minus strand). VCF-style: chr20-10663997-A-C. GRCh37 (hg19) VCF-style: chr20-10644645-A-C.
Identifiers: ClinVar variation 3573297 (VCV003573297.2).

Conditions:
Arteriohepatic dysplasia. Also called: Alagille Syndrome. Identifiers: Orphanet 52, MedGen C0085280, MeSH D016738, MONDO:0007318.

Submission:

Gilbert/Spinner Lab, Children's Hospital of Philadelphia
No classification provided (evidence only). Condition: Alagille syndrome. Review status: no classification provided. Collection method: research. Allele origin: not applicable. Functional consequence: functionally_abnormal.
ClinVar note: "not provided" was previously submitted as the classification for the variant. However, the classification appeared to be based only on an observation of functional data so it was converted to no classification on 2025-07-30.